The following is an entry in ClinVar:

NM_000834.5(GRIN2B):c.1883C>T (p.Ser628Phe)

Gene: GRIN2B (glutamate ionotropic receptor NMDA type subunit 2B; minus strand). Cytogenetic location: 12p13.1.
Variant type: single nucleotide variant.
Coding change: c.1883C>T on transcript NM_000834.5 (MANE Select); coding-DNA position 1883, C replaced by T.
Protein change: p.Ser628Phe; replaces serine 628 with phenylalanine.
Molecular consequence: missense variant.
Genome position (GRCh38, 1-based): chr12:13,608,730, G>A on the plus strand (C>T on the coding strand, the complement: GRIN2B is on the minus strand). VCF-style: chr12-13608730-G-A. GRCh37 (hg19) VCF-style: chr12-13761664-G-A.
Other names: short protein forms S628F.
Identifiers: ClinVar variation 916610 (VCV000916610.1), dbSNP rs1949320966, ClinGen allele CA384051136.

ClinVar aggregate classification (germline): Likely pathogenic (1 of 4 stars; one submission).

Conditions:
Intellectual developmental disorder, autosomal dominant 6, with or without seizures. Also called: GRIN2B-related developmental delay, intellectual disability and autism spectrum disorder; Intellectual disability, autosomal dominant 6. Identifiers: Orphanet 589547, MedGen C3151411, MONDO:0013509, OMIM 613970.

Submission:

Institute of Human Genetics, University of Leipzig Medical Center
Classification: Likely pathogenic for Intellectual developmental disorder, autosomal dominant 6, with or without seizures. Last evaluated: 2017-04-04. Review status: criteria provided, single submitter. Criteria: ACMG Guidelines, 2015. Collection method: clinical testing. Allele origin: de novo. Affected: yes.
Comment: This variant was identified as de novo (maternity and paternity confirmed).

Literature cited by the submitters: PubMed 28377535.